The following is an entry in ClinVar:

ClinVar aggregate classification (germline): Likely benign (1 of 4 stars; one submission).

Conditions:
Neurodegeneration with brain iron accumulation 4 (NBIA4). Also called: MITOCHONDRIAL PROTEIN-ASSOCIATED NEURODEGENERATION. Identifiers: Orphanet 289560, MedGen C3280371, MONDO:0013674, OMIM 614298. Disease mechanism: loss of function.

Allele frequency attached by ClinVar (database versions not stated): gnomAD 0.00001 and 0.00019; TOPMed 0.00004; gnomAD exomes 0.00068 and 0.00072; 1000 Genomes Project 0.00100; 1000 Genomes Project 30x 0.00109; ExAC 0.00260.
gnomAD v4.1: 240 of 454,104 alleles (0.053%); highest among the groups gnomAD compares: South Asian, 0.35%; 3 homozygotes.

Submission:

Illumina Laboratory Services, Illumina
Classification: Likely benign for Neurodegeneration with brain iron accumulation 4. Last evaluated: 2018-01-13. Review status: criteria provided, single submitter. Criteria: ICSL Variant Classification Criteria 13 December 2019. Collection method: clinical testing. Allele origin: germline.
Comment: This variant was observed in the ICSL laboratory as part of a predisposition screen in an ostensibly healthy population. It had not been previously curated by ICSL or reported in the Human Gene Mutation Database (HGMD: prior to June 1st, 2018), and was therefore a candidate for classification through an automated scoring system. Utilizing variant allele frequency, disease prevalence and penetrance estimates, and inheritance mode, an automated score was calculated to assess if this variant is too frequent to cause the disease. Based on the score and internal cut-off values, a variant classified as likely benign is not then subjected to further curation. The score for this variant resulted in a classification of likely benign for this disease.

NM_031448.6(C19orf12):c.*2310C>T

Gene: C19orf12 (chromosome 19 open reading frame 12; minus strand). Cytogenetic location: 19q12.
Variant type: single nucleotide variant.
Coding change: c.*2310C>T on transcript NM_031448.6 (MANE Select); 2310 bases downstream of the stop codon, C replaced by T.
Molecular consequence: 3 prime UTR variant.
Genome position (GRCh38, 1-based): chr19:29,700,402, G>A on the plus strand (C>T on the coding strand, the complement: C19orf12 is on the minus strand). VCF-style: chr19-29700402-G-A. GRCh37 (hg19) VCF-style: chr19-30191309-G-A.
Other names: c.*2310C>T (NM_001031726.4, NM_001256047.2, NM_001282929.1 and 2 more transcripts); c.*2357C>T (NM_001256046.3).
Identifiers: ClinVar variation 328685 (VCV000328685.5), dbSNP rs370293548, ClinGen allele CA9351693.